The following is an entry in ClinVar:

ClinVar aggregate classification (germline): Uncertain significance (1 of 4 stars; one submission).

Conditions:
Hereditary cancer-predisposing syndrome. Also called: Neoplastic Syndromes, Hereditary; Tumor predisposition; Hereditary Cancer Syndrome; Hereditary neoplastic syndrome. Identifiers: Orphanet 140162, MedGen C0027672, MeSH D009386, MONDO:0015356.

Submission:

Ambry Genetics
Classification: Uncertain significance for Hereditary cancer-predisposing syndrome. Last evaluated: 2019-06-21. Review status: criteria provided, single submitter. Criteria: Ambry Variant Classification Scheme 2023. Collection method: clinical testing. Allele origin: germline.
Comment: The p.T3030A variant (also known as c.9088A>G), located in coding exon 22 of the BRCA2 gene, results from an A to G substitution at nucleotide position 9088. The threonine at codon 3030 is replaced by alanine, an amino acid with similar properties. This amino acid position is highly conserved in available vertebrate species. In addition, the in silico prediction for this alteration is inconclusive. Since supporting evidence is limited at this time, the clinical significance of this alteration remains unclear.

NM_000059.4(BRCA2):c.9088A>G (p.Thr3030Ala)

Gene: BRCA2 (BRCA2 DNA repair associated; plus strand). Cytogenetic location: 13q13.1.
Variant type: single nucleotide variant.
Coding change: c.9088A>G on transcript NM_000059.4 (MANE Select); coding-DNA position 9088, A replaced by G.
Protein change: p.Thr3030Ala; replaces threonine 3030 with alanine.
Molecular consequence: missense variant.
Genome position (GRCh38, 1-based): chr13:32,379,884, A>G. VCF-style: chr13-32379884-A-G. GRCh37 (hg19) VCF-style: chr13-32954021-A-G.
Other names: c.8992A>G, p.Thr2998Ala (NM_001406719.1); c.9037A>G, p.Thr3013Ala (NM_001406720.1); c.4156A>G, p.Thr1386Ala (NM_001406721.1); c.2671A>G, p.Thr891Ala (NM_001406722.1); short protein forms T3013A, T1386A, T3030A, T891A, T2998A.
Identifiers: ClinVar variation 1765724 (VCV001765724.2), dbSNP rs2137623498, ClinGen allele CA387757637.
Genomic context (GRCh38, chr13:32,379,884, plus strand): 5'-CATCTTGCAACTTCAAAATCTAAAAGTAAATCTGAAAGAGCTAACATACAGTTAGCAGCG[A>G]CAAAAAAAACTCAGTATCAACAACTACCGGTACAAACCTTTCATTGTAATTTTTCAGTTT-3'
Protein context (NP_000050.3, residues 3020-3040): SERANIQLAA[Thr3030Ala]KKTQYQQLPV